The following is an entry in ClinVar:

ClinVar aggregate classification (germline): Uncertain significance (1 of 4 stars; one submission).

Conditions:
Hereditary cancer-predisposing syndrome. Also called: Hereditary neoplastic syndrome; Neoplastic Syndromes, Hereditary; Tumor predisposition; Hereditary Cancer Syndrome. Identifiers: Orphanet 140162, MedGen C0027672, MeSH D009386, MONDO:0015356.

Submission:

Ambry Genetics
Classification: Uncertain significance for Hereditary cancer-predisposing syndrome. Last evaluated: 2025-08-18. Review status: criteria provided, single submitter. Criteria: Ambry Variant Classification Scheme 2023. Collection method: clinical testing. Allele origin: germline.
Comment: The p.C1565* variant (also known as c.4695C>A), located in coding exon 36 of the POLE gene, results from a C to A substitution at nucleotide position 4695. This changes the amino acid from a cysteine to a stop codon within coding exon 36. This alteration is expected to result in loss of function by premature protein truncation or nonsense-mediated mRNA decay. Although biallelic loss of function of POLE has been associated with autosomal recessive POLE deficiency, haploinsufficiency of POLE has not been established as a mechanism of disease for POLE-related polymerase proofreading-associated polyposis (PPAP) and POLE-related CMMRD-like syndrome. Based on the supporting evidence, this variant is expected to be causative of POLE deficiency when present along with a second pathogenic variant on the other allele; however, its clinical significance for PPAP and POLE-related CMMRD-like syndrome is unclear.

NM_006231.4(POLE):c.4695C>A (p.Cys1565Ter)

Gene: POLE (DNA polymerase epsilon, catalytic subunit; minus strand). Cytogenetic location: 12q24.33.
Variant type: single nucleotide variant.
Coding change: c.4695C>A on transcript NM_006231.4 (MANE Select); coding-DNA position 4695, C replaced by A.
Protein change: p.Cys1565Ter; replaces cysteine 1565 with a stop codon.
Molecular consequence: nonsense.
Genome position (GRCh38, 1-based): chr12:132,642,853, G>T on the plus strand (C>A on the coding strand, the complement: POLE is on the minus strand). VCF-style: chr12-132642853-G-T. GRCh37 (hg19) VCF-style: chr12-133219439-G-T.
Other names: short protein forms C1565*.
Identifiers: ClinVar variation 4141212 (VCV004141212.1).